The following is an entry in ClinVar:

NM_001003800.2(BICD2):c.2398G>C (p.Glu800Gln)

Gene: BICD2 (BICD cargo adaptor 2; minus strand). Cytogenetic location: 9q22.31.
Variant type: single nucleotide variant.
Coding change: c.2398G>C on transcript NM_001003800.2 (MANE Select); coding-DNA position 2398, G replaced by C.
Protein change: p.Glu800Gln; replaces glutamic acid 800 with glutamine.
Molecular consequence: missense variant.
Genome position (GRCh38, 1-based): chr9:92,715,324, C>G on the plus strand (G>C on the coding strand, the complement: BICD2 is on the minus strand). VCF-style: chr9-92715324-C-G. GRCh37 (hg19) VCF-style: chr9-95477606-C-G.
Other names: c.2398G>C, p.Glu800Gln (NM_015250.4); short protein forms E800Q.
Identifiers: ClinVar variation 1790653 (VCV001790653.7), dbSNP rs1273239213, ClinGen allele CA374030043.

ClinVar aggregate classification (germline): Uncertain significance. Review status: criteria provided, multiple submitters, no conflicts (2 of 4 stars). 2 submissions from 2 submitters: Uncertain significance (2). Last evaluated 2025-02-04.

Conditions:
Inborn genetic diseases. Identifiers: MedGen C0950123, MeSH D030342.
Autosomal dominant childhood-onset proximal spinal muscular atrophy with contractures (SMALED2A). Also called: Spinal muscular atrophy, lower extremity-predominant, 2A, autosomal dominant; SPINAL MUSCULAR ATROPHY, LOWER EXTREMITY-PREDOMINANT, 2A, CHILDHOOD ONSET, AUTOSOMAL DOMINANT. Identifiers: Orphanet 363447, Orphanet 363454, MedGen C4747715, MONDO:0014121, OMIM 615290.

Allele frequency attached by ClinVar (database versions not stated): TOPMed below 0.00001.
gnomAD v4.1: 7 of 1,612,912 alleles (0.00043%); highest among the groups gnomAD compares: East Asian, 0.0022%; no homozygotes.

Submissions (2):

Labcorp Genetics (formerly Invitae), Labcorp
Classification: Uncertain significance for Autosomal dominant childhood-onset proximal spinal muscular atrophy with contractures. Last evaluated: 2025-02-04. Review status: criteria provided, single submitter. Criteria: Invitae Variant Classification Sherloc (09022015). Collection method: clinical testing. Allele origin: germline.
Comment: This sequence change replaces glutamic acid, which is acidic and polar, with glutamine, which is neutral and polar, at codon 800 of the BICD2 protein (p.Glu800Gln). This variant is not present in population databases (gnomAD no frequency). This variant has not been reported in the literature in individuals affected with BICD2-related conditions. ClinVar contains an entry for this variant (Variation ID: 1790653). Invitae Evidence Modeling of protein sequence and biophysical properties (such as structural, functional, and spatial information, amino acid conservation, physicochemical variation, residue mobility, and thermodynamic stability) has been performed for this missense variant. However, the output from this modeling did not meet the statistical confidence thresholds required to predict the impact of this variant on BICD2 protein function. In summary, the available evidence is currently insufficient to determine the role of this variant in disease. Therefore, it has been classified as a Variant of Uncertain Significance.

Ambry Genetics
Classification: Uncertain significance for Inborn genetic diseases. Last evaluated: 2020-02-11. Review status: criteria provided, single submitter. Criteria: Ambry Variant Classification Scheme 2023. Collection method: clinical testing. Allele origin: germline.
Comment: The p.E800Q variant (also known as c.2398G>C), located in coding exon 7 of the BICD2 gene, results from a G to C substitution at nucleotide position 2398. The glutamic acid at codon 800 is replaced by glutamine, an amino acid with highly similar properties. This amino acid position is highly conserved in available vertebrate species. In addition, the in silico prediction for this alteration is inconclusive. Since supporting evidence is limited at this time, the clinical significance of this alteration remains unclear.